The following is an entry in ClinVar:

ClinVar aggregate classification (germline): Uncertain significance (1 of 4 stars; one submission).

Conditions:
Catecholaminergic polymorphic ventricular tachycardia 1. Also called: VENTRICULAR TACHYCARDIA, STRESS-INDUCED POLYMORPHIC 1; VENTRICULAR TACHYCARDIA, CATECHOLAMINERGIC POLYMORPHIC, 1, WITH OR WITHOUT ATRIAL DYSFUNCTION AND/OR DILATED CARDIOMYOPATHY; RYR2-Related Catecholaminergic Polymorphic Ventricular Tachycardia. Identifiers: Orphanet 3286, MedGen C1631597, MONDO:0011484, OMIM 604772.

Submission:

Labcorp Genetics (formerly Invitae), Labcorp
Classification: Uncertain significance for Catecholaminergic polymorphic ventricular tachycardia 1. Last evaluated: 2023-07-25. Review status: criteria provided, single submitter. Criteria: Invitae Variant Classification Sherloc (09022015). Collection method: clinical testing. Allele origin: germline.
Comment: In summary, the available evidence is currently insufficient to determine the role of this variant in disease. Therefore, it has been classified as a Variant of Uncertain Significance. Algorithms developed to predict the effect of sequence changes on RNA splicing suggest that this variant may disrupt the consensus splice site. This variant has not been reported in the literature in individuals affected with RYR2-related conditions. This variant is not present in population databases (gnomAD no frequency). This variant, c.44_45insTGT, results in the insertion of 1 amino acid(s) of the RYR2 protein (p.Arg15_Thr16insVal), but otherwise preserves the integrity of the reading frame.

NM_001035.3(RYR2):c.44_45insTGT (p.Arg15_Thr16insVal)

Gene: RYR2 (ryanodine receptor 2; plus strand). Cytogenetic location: 1q43.
Variant type: Insertion.
Coding change: c.44_45insTGT on transcript NM_001035.3 (MANE Select); coding-DNA positions 44 to 45, TGT inserted.
Protein change: p.Arg15_Thr16insVal.
Molecular consequence: inframe insertion.
Genome position: GRCh38 VCF-style: chr1-237042565-G-GTGT. GRCh37 (hg19) VCF-style: chr1-237205865-G-GTGT.
Identifiers: ClinVar variation 2746489 (VCV002746489.3), dbSNP rs2527004334, ClinGen allele CA2697547712.